The following is an entry in ClinVar:

NM_000540.3(RYR1):c.3076C>A (p.Leu1026Met)

Gene: RYR1 (ryanodine receptor 1; plus strand). Cytogenetic location: 19q13.2.
Variant type: single nucleotide variant.
Coding change: c.3076C>A on transcript NM_000540.3 (MANE Select); coding-DNA position 3076, C replaced by A.
Protein change: p.Leu1026Met; replaces leucine 1026 with methionine.
Molecular consequence: missense variant.
Genome position (GRCh38, 1-based): chr19:38,466,296, C>A. VCF-style: chr19-38466296-C-A. GRCh37 (hg19) VCF-style: chr19-38956936-C-A.
Other names: c.3076C>A, p.Leu1026Met (NM_001042723.2); short protein forms L1026M.
Identifiers: ClinVar variation 4752818 (VCV004752818.1).

ClinVar aggregate classification (germline): Uncertain significance (1 of 4 stars; one submission).

Conditions:
RYR1-related disorder. Also called: RYR1-related condition; RYR1-related disorders. Identifiers: MedGen CN239331.

gnomAD v4.1: 1 of 1,611,674 alleles (0.000062%); highest among the groups gnomAD compares: Non-Finnish European, 0.000085%; no homozygotes.

Submission:

Labcorp Genetics (formerly Invitae), Labcorp
Classification: Uncertain significance for RYR1-related disorder. Last evaluated: 2025-11-06. Review status: criteria provided, single submitter. Criteria: Invitae Variant Classification Sherloc (09022015). Collection method: clinical testing. Allele origin: germline.
Comment: This sequence change replaces leucine, which is neutral and non-polar, with methionine, which is neutral and non-polar, at codon 1026 of the RYR1 protein (p.Leu1026Met). This variant is not present in population databases (gnomAD no frequency). This variant has not been reported in the literature in individuals affected with RYR1-related conditions. Invitae Evidence Modeling of protein sequence and biophysical properties (such as structural, functional, and spatial information, amino acid conservation, physicochemical variation, residue mobility, and thermodynamic stability) indicates that this missense variant is expected to disrupt RYR1 protein function with a positive predictive value of 95%. In summary, the available evidence is currently insufficient to determine the role of this variant in disease. Therefore, it has been classified as a Variant of Uncertain Significance.